The following is an entry in ClinVar:

ClinVar aggregate classification (germline): Uncertain significance (1 of 4 stars; one submission).

Conditions:
Intellectual developmental disorder with cardiac defects and dysmorphic facies (IDDCDF). Identifiers: Orphanet 562569, MedGen C5193024, MONDO:0032672, OMIM 618316.

Allele frequency attached by ClinVar (database versions not stated): TOPMed 0.00001 and 0.00002.
gnomAD v4.1: 1 of 1,613,352 alleles (0.000062%); highest among the groups gnomAD compares: Non-Finnish European, 0.000085%; no homozygotes.

Submission:

Baylor Genetics
Classification: Uncertain significance for Intellectual developmental disorder with cardiac defects and dysmorphic facies. Last evaluated: 2019-11-20. Review status: criteria provided, single submitter. Criteria: ACMG Guidelines, 2015. Collection method: clinical testing. Allele origin: unknown. Affected: yes.
Comment: This variant was determined to be of uncertain significance according to ACMG Guidelines, 2015 [PMID:25741868].

NM_014738.6(TMEM94):c.2936C>A (p.Thr979Asn)

Gene: TMEM94 (transmembrane protein 94; plus strand). Cytogenetic location: 17q25.1.
Variant type: single nucleotide variant.
Coding change: c.2936C>A on transcript NM_014738.6 (MANE Select); coding-DNA position 2936, C replaced by A.
Protein change: p.Thr979Asn; replaces threonine 979 with asparagine.
Molecular consequence: missense variant.
Genome position (GRCh38, 1-based): chr17:75,495,635, C>A. VCF-style: chr17-75495635-C-A. GRCh37 (hg19) VCF-style: chr17-73491716-C-A.
Other names: c.2966C>A, p.Thr989Asn (NM_001321148.2); c.2948C>A, p.Thr983Asn (NM_001321149.2); c.2888C>A, p.Thr963Asn (NM_001351202.2); c.2963C>A, p.Thr988Asn (NM_001351203.2); short protein forms T979N, T983N, T988N, T989N, T963N.
Identifiers: ClinVar variation 1031303 (VCV001031303.1), dbSNP rs1431981883, ClinGen allele CA401016232.
Genomic context (GRCh38, chr17:75,495,635, plus strand): 5'-GGCCCCACCTGCAGAACATTGACAACGTGCCCCTGCTAGTGCCCCTTTTCACCGACTGCA[C>A]CCCAGAGAGTGAGTGCTGTGGCCATGGGTACTTGGGCAACCTGGTCCCGTCGGCTGAGCT-3'
Protein context (NP_055553.3, residues 969-989): PLLVPLFTDC[Thr979Asn]PETMCEMIKI